The following is an entry in ClinVar:

ClinVar aggregate classification (germline): Uncertain significance. Review status: criteria provided, multiple submitters, no conflicts (2 of 4 stars). 2 submissions from 2 submitters: Uncertain significance (2). Last evaluated 2024-08-30.

Conditions:
Idiopathic Pulmonary Fibrosis. Also called: Idiopathic fibrosing alveolitis, chronic form; idiopathic fibrosing alveolitis. Identifiers: Orphanet 2032, MedGen C1800706, MeSH D054990, MONDO:0800504.
Dyskeratosis congenita, autosomal dominant 2. Identifiers: MedGen C3151443, MONDO:0013521, OMIM 613989.
Dyskeratosis congenita. Identifiers: Orphanet 1775, MedGen C0265965, MONDO:0015780.

Allele frequency attached by ClinVar (database versions not stated): gnomAD exomes below 0.00001.

Submissions (2):

Ambry Genetics
Classification: Uncertain significance for Dyskeratosis congenita. Last evaluated: 2024-08-30. Review status: criteria provided, single submitter. Criteria: Ambry Variant Classification Scheme 2023. Collection method: clinical testing. Allele origin: germline.
Comment: The p.E245D variant (also known as c.735G>C), located in coding exon 2 of the TERT gene, results from a G to C substitution at nucleotide position 735. The glutamic acid at codon 245 is replaced by aspartic acid, an amino acid with highly similar properties. This amino acid position is conserved. In addition, this alteration is predicted to be tolerated by in silico analysis. Based on the available evidence, the clinical significance of this variant remains unclear.

Labcorp Genetics (formerly Invitae), Labcorp
Classification: Uncertain significance for Dyskeratosis congenita, autosomal dominant 2; Idiopathic Pulmonary Fibrosis. Last evaluated: 2022-07-06. Review status: criteria provided, single submitter. Criteria: Invitae Variant Classification Sherloc (09022015). Collection method: clinical testing. Allele origin: germline.
Comment: In summary, the available evidence is currently insufficient to determine the role of this variant in disease. Therefore, it has been classified as a Variant of Uncertain Significance. Advanced modeling of protein sequence and biophysical properties (such as structural, functional, and spatial information, amino acid conservation, physicochemical variation, residue mobility, and thermodynamic stability) performed at Invitae indicates that this missense variant is not expected to disrupt TERT protein function. This variant has not been reported in the literature in individuals affected with TERT-related conditions. This variant is not present in population databases (gnomAD no frequency). This sequence change replaces glutamic acid, which is acidic and polar, with aspartic acid, which is acidic and polar, at codon 245 of the TERT protein (p.Glu245Asp).

NM_198253.3(TERT):c.735G>C (p.Glu245Asp)

Gene: TERT (telomerase reverse transcriptase; minus strand). Cytogenetic location: 5p15.33.
Variant type: single nucleotide variant.
Coding change: c.735G>C on transcript NM_198253.3 (MANE Select); coding-DNA position 735, G replaced by C.
Protein change: p.Glu245Asp; replaces glutamic acid 245 with aspartic acid.
Molecular consequence: missense variant. On other transcripts: non-coding transcript variant (2).
Genome position (GRCh38, 1-based): chr5:1,294,151, C>G on the plus strand (G>C on the coding strand, the complement: TERT is on the minus strand). VCF-style: chr5-1294151-C-G. GRCh37 (hg19) VCF-style: chr5-1294266-C-G.
Other names: c.735G>C, p.Glu245Asp (NM_001193376.3, NM_003219.1); short protein forms E245D.
Identifiers: ClinVar variation 1937341 (VCV001937341.6), dbSNP rs2478420990, ClinGen allele CA359056930.